The following is an entry in ClinVar:

NM_013296.5(GPSM2):c.1501A>G (p.Ser501Gly)

Gene: GPSM2 (G protein signaling modulator 2; plus strand). Cytogenetic location: 1p13.3.
Variant type: single nucleotide variant.
Coding change: c.1501A>G on transcript NM_013296.5 (MANE Select); coding-DNA position 1501, A replaced by G.
Protein change: p.Ser501Gly; replaces serine 501 with glycine.
Molecular consequence: missense variant.
Genome position (GRCh38, 1-based): chr1:108,922,477, A>G. VCF-style: chr1-108922477-A-G. GRCh37 (hg19) VCF-style: chr1-109465099-A-G.
Other names: c.1501A>G, p.Ser501Gly (NM_001321038.2, NM_001321039.3); short protein forms S501G.
Identifiers: ClinVar variation 1371012 (VCV001371012.7), dbSNP rs2101542712, ClinGen allele CA341450461.

ClinVar aggregate classification (germline): Uncertain significance (1 of 4 stars; one submission).

Allele frequency attached by ClinVar (database versions not stated): gnomAD exomes below 0.00001.
gnomAD v4.1: 4 of 1,612,338 alleles (0.00025%); highest among the groups gnomAD compares: Admixed American, 0.0067%; no homozygotes.

Submission:

Labcorp Genetics (formerly Invitae), Labcorp
Classification: Uncertain significance. Last evaluated: 2021-06-24. Review status: criteria provided, single submitter. Criteria: Invitae Variant Classification Sherloc (09022015). Collection method: clinical testing. Allele origin: germline.
Comment: This sequence change replaces serine with glycine at codon 501 of the GPSM2 protein (p.Ser501Gly). The serine residue is moderately conserved and there is a small physicochemical difference between serine and glycine. This variant is not present in population databases (ExAC no frequency). In summary, the available evidence is currently insufficient to determine the role of this variant in disease. Therefore, it has been classified as a Variant of Uncertain Significance. Algorithms developed to predict the effect of missense changes on protein structure and function (SIFT, PolyPhen-2, Align-GVGD) all suggest that this variant is likely to be tolerated, but these predictions have not been confirmed by published functional studies and their clinical significance is uncertain. This variant has not been reported in the literature in individuals with GPSM2-related conditions.